The following is an entry in ClinVar:

ClinVar aggregate classification (germline): Uncertain significance (1 of 4 stars; one submission).

Conditions:
Inborn genetic diseases. Identifiers: MedGen C0950123, MeSH D030342.

Allele frequency attached by ClinVar (database versions not stated): TOPMed below 0.00001.

Submission:

Ambry Genetics
Classification: Uncertain significance for Inborn genetic diseases. Last evaluated: 2019-09-17. Review status: criteria provided, single submitter. Criteria: Ambry Variant Classification Scheme 2023. Collection method: clinical testing. Allele origin: germline.
Comment: The p.G845E variant (also known as c.2534G>A), located in coding exon 11 of the ATP7A gene, results from a G to A substitution at nucleotide position 2534. The glycine at codon 845 is replaced by glutamic acid, an amino acid with similar properties. This amino acid position is highly conserved in available vertebrate species. In addition, this alteration is predicted to be deleterious by in silico analysis. Since supporting evidence is limited at this time, the clinical significance of this alteration remains unclear.

NM_000052.7(ATP7A):c.2534G>A (p.Gly845Glu)

Gene: ATP7A (ATPase copper transporting alpha; plus strand). Cytogenetic location: Xq21.1.
Variant type: single nucleotide variant.
Coding change: c.2534G>A on transcript NM_000052.7 (MANE Select); coding-DNA position 2534, G replaced by A.
Protein change: p.Gly845Glu; replaces glycine 845 with glutamic acid.
Molecular consequence: missense variant.
Genome position (GRCh38, 1-based): chrX:78,015,789, G>A. VCF-style: chrX-78015789-G-A. GRCh37 (hg19) VCF-style: chrX-77271286-G-A.
Other names: c.2300G>A, p.Gly767Glu (NM_001282224.2); short protein forms G767E, G845E.
Identifiers: ClinVar variation 1792742 (VCV001792742.2), dbSNP rs2077858709, ClinGen allele CA413600901.